The following is an entry in ClinVar:

NM_000834.5(GRIN2B):c.2498T>C (p.Leu833Pro)

Gene: GRIN2B (glutamate ionotropic receptor NMDA type subunit 2B; minus strand). Cytogenetic location: 12p13.1.
Variant type: single nucleotide variant.
Coding change: c.2498T>C on transcript NM_000834.5 (MANE Select); coding-DNA position 2498, T replaced by C.
Protein change: p.Leu833Pro; replaces leucine 833 with proline.
Molecular consequence: missense variant.
Genome position (GRCh38, 1-based): chr12:13,567,125, A>G on the plus strand (T>C on the coding strand, the complement: GRIN2B is on the minus strand). VCF-style: chr12-13567125-A-G. GRCh37 (hg19) VCF-style: chr12-13720059-A-G.
Other names: c.2498T>C, p.Leu833Pro (NM_001413992.1); short protein forms L833P.
Identifiers: ClinVar variation 1803309 (VCV001803309.1), dbSNP rs2497475942, ClinGen allele CA383996253.

ClinVar aggregate classification (germline): Uncertain significance (1 of 4 stars; one submission).

Submission:

GeneDx
Classification: Uncertain significance. Last evaluated: 2022-06-07. Review status: criteria provided, single submitter. Criteria: GeneDx Variant Classification Process June 2021. Collection method: clinical testing. Allele origin: germline. Affected: yes.
Comment: Not observed at significant frequency in large population cohorts (gnomAD); In silico analysis supports that this missense variant has a deleterious effect on protein structure/function; Has not been previously published as pathogenic or benign to our knowledge; This variant is associated with the following publications: (PMID: 27839871)